The following is an entry in ClinVar:

ClinVar aggregate classification (germline): Conflicting classifications of pathogenicity. Review status: criteria provided, conflicting classifications (1 of 4 stars). 4 submissions from 4 submitters: Uncertain significance (2); Likely benign (2). Last evaluated 2026-01-25.

Conditions:
Tuberous sclerosis syndrome (TSC). Also called: Tuberous sclerosis; Tuberous Sclerosis Complex. Identifiers: Orphanet 805, MedGen C0041341, MONDO:0001734.
Tuberous sclerosis 2 (TSC2). Identifiers: Orphanet 805, MedGen C1860707, MONDO:0013199, OMIM 613254.
TSC2-related disorder. Also called: TSC2-related condition; TSC2-Related Disorders.
Hereditary cancer-predisposing syndrome. Also called: Neoplastic Syndromes, Hereditary; Tumor predisposition; Hereditary Cancer Syndrome; Hereditary neoplastic syndrome. Identifiers: Orphanet 140162, MedGen C0027672, MeSH D009386, MONDO:0015356.

Allele frequency attached by ClinVar (database versions not stated): gnomAD exomes below 0.00001.
gnomAD v4.1: 2 of 1,613,008 alleles (0.00012%); highest among the groups gnomAD compares: Non-Finnish European, 0.00017%; no homozygotes.

Submissions (4):

Labcorp Genetics (formerly Invitae), Labcorp
Classification: Likely benign for Tuberous sclerosis 2. Last evaluated: 2026-01-25. Review status: criteria provided, single submitter. Criteria: Invitae Variant Classification Sherloc (09022015). Collection method: clinical testing. Allele origin: germline.

Ambry Genetics
Classification: Uncertain significance for Hereditary cancer-predisposing syndrome. Last evaluated: 2025-05-29. Review status: criteria provided, single submitter. Criteria: Ambry Variant Classification Scheme 2023. Collection method: clinical testing. Allele origin: germline.
Comment: The c.1839+5G>C intronic variant results from a G to C substitution 5 nucleotides after coding exon 16 in the TSC2 gene. This nucleotide position is highly conserved in available vertebrate species. In silico splice site analysis predicts that this alteration will not have any significant effect on splicing. Based on the available evidence, the clinical significance of this variant remains unclear.

PreventionGenetics, part of Exact Sciences
Classification: Likely benign for TSC2-related condition. Last evaluated: 2024-10-02. Review status: criteria provided, single submitter. Criteria: ACMG Guidelines, 2015. Collection method: clinical testing. Allele origin: germline.
Comment: This variant is classified as likely benign based on ACMG/AMP sequence variant interpretation guidelines (Richards et al. 2015 PMID: 25741868, with internal and published modifications).

All of Us Research Program, National Institutes of Health
Classification: Uncertain significance for Tuberous sclerosis syndrome. Last evaluated: 2024-06-09. Review status: criteria provided, single submitter. Criteria: ACMG Guidelines, 2015. Collection method: clinical testing. Allele origin: germline. Inheritance: Autosomal dominant inheritance. Observed: 2 variant alleles, 2 heterozygotes.
Comment: This variant causes a G to C nucleotide substitution at the +5 position of intron 17 of the TSC2 gene. Splice site prediction tools predict that this variant may have a significant impact on RNA splicing, although this prediction has not been confirmed in published RNA studies. To our knowledge, functional studies have not been reported for this variant. This variant has not been reported in individuals affected with TSC2-related disorders in the literature. This variant has not been identified in the general population by the Genome Aggregation Database (gnomAD). The available evidence is insufficient to determine the role of this variant in disease conclusively. Therefore, this variant is classified as a Variant of Uncertain Significance.

This study involves interpretation of variants in research participants for the purpose of population health screening. Participant phenotype was not available at the time of variant classification. Additional details can be found in publication PMID: 35346344, PMCID: PMC8962531

NM_000548.5(TSC2):c.1839+5G>C

Gene: TSC2 (TSC complex subunit 2; plus strand). Cytogenetic location: 16p13.3.
Variant type: single nucleotide variant.
Coding change: c.1839+5G>C on transcript NM_000548.5 (MANE Select); 5 bases into the intron after coding-DNA position 1839, G replaced by C.
Molecular consequence: intron variant.
Genome position (GRCh38, 1-based): chr16:2,070,583, G>C. VCF-style: chr16-2070583-G-C. GRCh37 (hg19) VCF-style: chr16-2120584-G-C.
Other names: c.1839+5G>C (NM_001114382.3, NM_021055.3, NM_001370405.1 and 4 more transcripts); c.1728+5G>C (NM_001318827.2); c.1239+5G>C (NM_001318831.2); c.1692+5G>C (NM_001318829.2); c.1872+5G>C (NM_001318832.2).
Identifiers: ClinVar variation 576438 (VCV000576438.16), dbSNP rs200568460, ClinGen allele CA276735929.